The following is an entry in ClinVar:

ClinVar aggregate classification (germline): Uncertain significance (1 of 4 stars; one submission).

Allele frequency attached by ClinVar (database versions not stated): gnomAD exomes 0.00003; ExAC 0.00005; gnomAD 0.00008; TOPMed 0.00012.

Submission:

Labcorp Genetics (formerly Invitae), Labcorp
Classification: Uncertain significance. Last evaluated: 2024-05-06. Review status: criteria provided, single submitter. Criteria: Invitae Variant Classification Sherloc (09022015). Collection method: clinical testing. Allele origin: germline.
Comment: This sequence change replaces glutamic acid, which is acidic and polar, with lysine, which is basic and polar, at codon 212 of the CDT1 protein (p.Glu212Lys). This variant is present in population databases (rs769385427, gnomAD 0.01%). This variant has not been reported in the literature in individuals affected with CDT1-related conditions. ClinVar contains an entry for this variant (Variation ID: 2167220). An algorithm developed to predict the effect of missense changes on protein structure and function (PolyPhen-2) suggests that this variant is likely to be disruptive. In summary, the available evidence is currently insufficient to determine the role of this variant in disease. Therefore, it has been classified as a Variant of Uncertain Significance.

NM_030928.4(CDT1):c.634G>A (p.Glu212Lys)

Gene: CDT1 (chromatin licensing and DNA replication factor 1; plus strand). Cytogenetic location: 16q24.3.
Variant type: single nucleotide variant.
Coding change: c.634G>A on transcript NM_030928.4 (MANE Select); coding-DNA position 634, G replaced by A.
Protein change: p.Glu212Lys; replaces glutamic acid 212 with lysine.
Molecular consequence: missense variant.
Genome position (GRCh38, 1-based): chr16:88,805,585, G>A. VCF-style: chr16-88805585-G-A. GRCh37 (hg19) VCF-style: chr16-88871993-G-A.
Other names: short protein forms E212K.
Identifiers: ClinVar variation 2167220 (VCV002167220.2), dbSNP rs769385427, ClinGen allele CA8233736.